The following is an entry in ClinVar:

NM_000321.3(RB1):c.7C>G (p.Pro3Ala)

Gene: RB1 (RB transcriptional corepressor 1; plus strand). Cytogenetic location: 13q14.2.
Variant type: single nucleotide variant.
Coding change: c.7C>G on transcript NM_000321.3 (MANE Select); coding-DNA position 7, C replaced by G.
Protein change: p.Pro3Ala; replaces proline 3 with alanine.
Molecular consequence: missense variant.
Genome position (GRCh38, 1-based): chr13:48,303,919, C>G. VCF-style: chr13-48303919-C-G. GRCh37 (hg19) VCF-style: chr13-48878055-C-G.
Other names: c.7C>G, p.Pro3Ala (NM_001407165.1, NM_001407166.1, NM_001407167.1); short protein forms P3A.
Identifiers: ClinVar variation 3231249 (VCV003231249.3), dbSNP rs2138026983, ClinGen allele CA388250144.
Genomic context (GRCh38, chr13:48,303,919, plus strand): 5'-CGTCCTCCCCGGCGCTCCTCCACAGCTCGCTGGCTCCCGCCGCGGAAAGGCGTCATGCCG[C>G]CCAAAACCCCCCGAAAAACGGCCGCCACCGCCGCCGCTGCCGCCGCGGAACCCCCGGCAC-3'
Protein context (NP_000312.2, residues 1-13): MP[Pro3Ala]KTPRKTAATA

ClinVar aggregate classification (germline): Uncertain significance. Review status: criteria provided, multiple submitters, no conflicts (2 of 4 stars). 2 submissions from 2 submitters: Uncertain significance (2). Last evaluated 2024-05-14.

Conditions:
Retinoblastoma (RB1). Also called: RETINOBLASTOMA, SOMATIC. Identifiers: Orphanet 790, MedGen C0035335, MeSH D012175, MONDO:0008380, OMIM 180200, HP:0009919. Disease mechanism: loss of function. Inheritance: Both sporadic and heritable forms are tested..
Hereditary cancer-predisposing syndrome. Also called: Neoplastic Syndromes, Hereditary; Tumor predisposition; Hereditary neoplastic syndrome; Hereditary Cancer Syndrome. Identifiers: Orphanet 140162, MedGen C0027672, MeSH D009386, MONDO:0015356.

Submissions (2):

Labcorp Genetics (formerly Invitae), Labcorp
Classification: Uncertain significance for Retinoblastoma. Last evaluated: 2024-05-14. Review status: criteria provided, single submitter. Criteria: Invitae Variant Classification Sherloc (09022015). Collection method: clinical testing. Allele origin: germline.
Comment: This sequence change replaces proline, which is neutral and non-polar, with alanine, which is neutral and non-polar, at codon 3 of the RB1 protein (p.Pro3Ala). This variant is not present in population databases (gnomAD no frequency). This variant has not been reported in the literature in individuals affected with RB1-related conditions. Advanced modeling of protein sequence and biophysical properties (such as structural, functional, and spatial information, amino acid conservation, physicochemical variation, residue mobility, and thermodynamic stability) has been performed at Invitae for this missense variant, however the output from this modeling did not meet the statistical confidence thresholds required to predict the impact of this variant on RB1 protein function. In summary, the available evidence is currently insufficient to determine the role of this variant in disease. Therefore, it has been classified as a Variant of Uncertain Significance.

Ambry Genetics
Classification: Uncertain significance for Hereditary cancer-predisposing syndrome. Last evaluated: 2024-01-29. Review status: criteria provided, single submitter. Criteria: Ambry Variant Classification Scheme 2023. Collection method: clinical testing. Allele origin: germline.
Comment: The p.P3A variant (also known as c.7C>G), located in coding exon 1 of the RB1 gene, results from a C to G substitution at nucleotide position 7. The proline at codon 3 is replaced by alanine, an amino acid with highly similar properties. This amino acid position is well conserved in available vertebrate species. In addition, the in silico prediction for this alteration is inconclusive. Based on the available evidence, the clinical significance of this alteration remains unclear.